The following is an entry in ClinVar:

NM_019032.6(ADAMTSL4):c.3064A>G (p.Ser1022Gly)

Genes: ADAMTSL4 (ADAMTS like 4; plus strand), LOC129931410 (ATAC-STARR-seq lymphoblastoid active region 1691; plus strand). Cytogenetic location: 1q21.2.
Variant type: single nucleotide variant.
Coding change: c.3064A>G on transcript NM_019032.6 (MANE Select); coding-DNA position 3064, A replaced by G.
Protein change: p.Ser1022Gly; replaces serine 1022 with glycine.
Molecular consequence: missense variant.
Genome position (GRCh38, 1-based): chr1:150,559,881, A>G. VCF-style: chr1-150559881-A-G. GRCh37 (hg19) VCF-style: chr1-150532357-A-G.
Other names: c.2947A>G, p.Ser983Gly (NM_001288607.2); c.3133A>G, p.Ser1045Gly (NM_001288608.2); c.3064A>G, p.Ser1022Gly (NM_001378596.1); short protein forms S1022G, S983G, S1045G.
Identifiers: ClinVar variation 1950306 (VCV001950306.2), dbSNP rs1672603740, ClinGen allele CA342318896.

ClinVar aggregate classification (germline): Uncertain significance (1 of 4 stars; one submission).

Allele frequency attached by ClinVar (database versions not stated): gnomAD exomes below 0.00001; TOPMed below 0.00001.

Submission:

Labcorp Genetics (formerly Invitae), Labcorp
Classification: Uncertain significance. Last evaluated: 2022-07-14. Review status: criteria provided, single submitter. Criteria: Invitae Variant Classification Sherloc (09022015). Collection method: clinical testing. Allele origin: germline.
Comment: This sequence change replaces serine, which is neutral and polar, with glycine, which is neutral and non-polar, at codon 1022 of the ADAMTSL4 protein (p.Ser1022Gly). This variant is not present in population databases (gnomAD no frequency). This variant has not been reported in the literature in individuals affected with ADAMTSL4-related conditions. Algorithms developed to predict the effect of missense changes on protein structure and function are either unavailable or do not agree on the potential impact of this missense change (SIFT: "Deleterious"; PolyPhen-2: "Benign"; Align-GVGD: "Class C55"). In summary, the available evidence is currently insufficient to determine the role of this variant in disease. Therefore, it has been classified as a Variant of Uncertain Significance.